The following is an entry in ClinVar:

NM_007294.4(BRCA1):c.3402A>G (p.Glu1134=)

Genes: BRCA1 (BRCA1 DNA repair associated; minus strand), LOC126862571 (BRD4-independent group 4 enhancer GRCh37_chr17:41243136-41244335; plus strand). Cytogenetic location: 17q21.31.
Variant type: single nucleotide variant.
Coding change: c.3402A>G on transcript NM_007294.4 (MANE Select); coding-DNA position 3402, A replaced by G.
Protein change: p.Glu1134=; no amino-acid change (glutamic acid 1134 retained).
Molecular consequence: synonymous variant. On other transcripts: intron variant (135).
Genome position (GRCh38, 1-based): chr17:43,092,129, T>C on the plus strand (A>G on the coding strand, the complement: BRCA1 is on the minus strand). VCF-style: chr17-43092129-T-C. GRCh37 (hg19) VCF-style: chr17-41244146-T-C.
Other names: c.3189A>G, p.Glu1063= (NM_001407571.1, NM_001407853.1, NM_001407894.1 and 9 more transcripts); c.3402A>G, p.Glu1134= (NM_001407581.1, NM_001407582.1, NM_001407583.1 and 30 more transcripts); c.3399A>G, p.Glu1133= (NM_001407587.1, NM_001407590.1, NM_001407591.1 and 22 more transcripts); c.3393A>G, p.Glu1131= (NM_001407646.1, NM_001407647.1); c.3279A>G, p.Glu1093= (NM_001407648.1, NM_001407664.1, NM_001407665.1 and 19 more transcripts); c.3276A>G, p.Glu1092= (NM_001407649.1, NM_001407670.1, NM_001407671.1 and 11 more transcripts); c.3324A>G, p.Glu1108= (NM_001407653.1, NM_001407654.1, NM_001407655.1 and 4 more transcripts); c.3321A>G, p.Glu1107= (NM_001407659.1, NM_001407660.1, NM_001407661.1 and 1 more transcripts); and 41 more.
Identifiers: ClinVar variation 427346 (VCV000427346.4), dbSNP rs752875919, ClinGen allele CA057901.
Genomic context (GRCh38, chr17:43,092,129, plus strand): 5'-TAACAGGTCATCAGGTGTCTCAGAACAAACCTGAGATGCATGACTACTTCCCATAGGCTG[T>C]TCTAAGTTATCTGAAATCAGATATGGAGAGAAATCTGTATTAACAGTCTGAACTACTTCT-3'
Protein context (NP_009225.1, residues 1124-1144): FSPYLISDNL[Glu1134=]QPMGSSHASQ

ClinVar aggregate classification (germline): Likely benign (3 of 4 stars; one submission).

Conditions:
Breast-ovarian cancer, familial, susceptibility to, 1 (BROVCA1). Also called: BRCA1 Hereditary Breast and Ovarian Cancer; OVARIAN CANCER, SUSCEPTIBILITY TO. Identifiers: Orphanet 145, MedGen C2676676, MONDO:0011450, OMIM 604370. Disease mechanism: loss of function.

Allele frequency attached by ClinVar (database versions not stated): gnomAD exomes below 0.00001; ExAC 0.00001.

Submission:

Evidence-based Network for the Interpretation of Germline Mutant Alleles (ENIGMA)
Classification: Likely benign for Breast-ovarian cancer, familial, susceptibility to, 1. Last evaluated: 2017-06-29. Review status: reviewed by expert panel. Criteria: ENIGMA BRCA1/2 Classification Criteria (2017-06-29). Collection method: curation. Allele origin: germline.
Comment: Synonymous substitution variant, with low bioinformatic likelihood to result in a splicing aberration (Splicing prior probability 0.02).